The following is an entry in ClinVar:

NM_002730.4(PRKACA):c.996G>A (p.Glu332=)

Gene: PRKACA (protein kinase cAMP-activated catalytic subunit alpha; minus strand). Cytogenetic location: 19p13.12.
Variant type: single nucleotide variant.
Coding change: c.996G>A on transcript NM_002730.4 (MANE Select); coding-DNA position 996, G replaced by A.
Protein change: p.Glu332=; no amino-acid change (glutamic acid 332 retained).
Molecular consequence: synonymous variant.
Genome position (GRCh38, 1-based): chr19:14,093,172, C>T on the plus strand (G>A on the coding strand, the complement: PRKACA is on the minus strand). VCF-style: chr19-14093172-C-T. GRCh37 (hg19) VCF-style: chr19-14203984-C-T.
Other names: c.1224G>A, p.Glu408= (NM_001304349.2); c.972G>A, p.Glu324= (NM_207518.3).
Identifiers: ClinVar variation 2649411 (VCV002649411.24), dbSNP rs370912699, ClinGen allele CA9249134.

ClinVar aggregate classification (germline): Likely benign (1 of 4 stars; one submission).

Allele frequency attached by ClinVar (database versions not stated): gnomAD exomes 0.00002; ExAC 0.00005; ESP Exome Variant Server 0.00008.

Submission:

CeGaT Center for Human Genetics Tuebingen
Classification: Likely benign. Last evaluated: 2023-10-01. Review status: criteria provided, single submitter. Criteria: CeGaT Center For Human Genetics Tuebingen Variant Classification Criteria Version 2. Collection method: clinical testing. Allele origin: germline. Affected: yes. Observed: 1 variant allele.
Comment: PRKACA: BP4, BP7